The following is an entry in ClinVar:

NM_001042413.2(GLIS3):c.2471A>C (p.His824Pro)

Gene: GLIS3 (GLIS family zinc finger 3; minus strand). Cytogenetic location: 9p24.2.
Variant type: single nucleotide variant.
Coding change: c.2471A>C on transcript NM_001042413.2 (MANE Select); coding-DNA position 2471, A replaced by C.
Protein change: p.His824Pro; replaces histidine 824 with proline.
Molecular consequence: missense variant.
Genome position (GRCh38, 1-based): chr9:3,856,011, T>G on the plus strand (A>C on the coding strand, the complement: GLIS3 is on the minus strand). VCF-style: chr9-3856011-T-G. GRCh37 (hg19) VCF-style: chr9-3856011-T-G.
Other names: c.2006A>C, p.His669Pro (NM_152629.4); short protein forms H669P, H824P.
Identifiers: ClinVar variation 2385799 (VCV002385799.6), dbSNP rs140981222, ClinGen allele CA4967799.

ClinVar aggregate classification (germline): Uncertain significance. Review status: criteria provided, multiple submitters, no conflicts (2 of 4 stars). 3 submissions from 3 submitters: Uncertain significance (3). Last evaluated 2025-06-12.

Conditions:
Inborn genetic diseases. Identifiers: MedGen C0950123, MeSH D030342.
Neonatal diabetes mellitus with congenital hypothyroidism. Also called: NDH SYNDROME. Identifiers: Orphanet 79118, MedGen C1857775, MONDO:0012436, OMIM 610199.

gnomAD v4.1: 43 of 1,614,036 alleles (0.0027%); highest among the groups gnomAD compares: African/African-American, 0.037%; no homozygotes.

Submissions (3):

Labcorp Genetics (formerly Invitae), Labcorp
Classification: Uncertain significance. Last evaluated: 2025-06-12. Review status: criteria provided, single submitter. Criteria: Invitae Variant Classification Sherloc (09022015). Collection method: clinical testing. Allele origin: germline.
Comment: This sequence change replaces histidine, which is basic and polar, with proline, which is neutral and non-polar, at codon 669 of the GLIS3 protein (p.His669Pro). This variant is present in population databases (rs140981222, gnomAD 0.05%). This variant has not been reported in the literature in individuals affected with GLIS3-related conditions. ClinVar contains an entry for this variant (Variation ID: 2385799). An algorithm developed to predict the effect of missense changes on protein structure and function (PolyPhen-2) suggests that this variant is likely to be disruptive. In summary, the available evidence is currently insufficient to determine the role of this variant in disease. Therefore, it has been classified as a Variant of Uncertain Significance.

Fulgent Genetics
Classification: Uncertain significance for Neonatal diabetes mellitus with congenital hypothyroidism. Last evaluated: 2024-06-07. Review status: criteria provided, single submitter. Criteria: ACMG Guidelines, 2015. Collection method: clinical testing. Allele origin: germline.

Ambry Genetics
Classification: Uncertain significance for Inborn genetic diseases. Last evaluated: 2021-11-24. Review status: criteria provided, single submitter. Criteria: Ambry Variant Classification Scheme 2023. Collection method: clinical testing. Allele origin: germline.